The following is an entry in ClinVar:

NM_001009944.3(PKD1):c.285G>T (p.Glu95Asp)

Gene: PKD1 (polycystin 1, transient receptor potential channel interacting; minus strand). Cytogenetic location: 16p13.3.
Variant type: single nucleotide variant.
Coding change: c.285G>T on transcript NM_001009944.3 (MANE Select); coding-DNA position 285, G replaced by T.
Protein change: p.Glu95Asp; replaces glutamic acid 95 with aspartic acid.
Molecular consequence: missense variant.
Genome position (GRCh38, 1-based): chr16:2,119,309, C>A on the plus strand (G>T on the coding strand, the complement: PKD1 is on the minus strand). VCF-style: chr16-2119309-C-A. GRCh37 (hg19) VCF-style: chr16-2169310-C-A.
Other names: c.285G>T, p.Glu95Asp (NM_000296.4); short protein forms E95D.
Identifiers: ClinVar variation 636759 (VCV000636759.4), dbSNP rs1305213807, ClinGen allele CA394396119.

ClinVar aggregate classification (germline): Uncertain significance. Review status: criteria provided, multiple submitters, no conflicts (2 of 4 stars). 3 submissions from 3 submitters: Uncertain significance (3). Last evaluated 2024-12-09.

Conditions:
Polycystic kidney disease, adult type (PKD1). Also called: POLYCYSTIC KIDNEY DISEASE, ADULT, TYPE I; Polycystic Kidney, Autosomal Dominant; Polycystic Kidney Disease 1, Autosomal Dominant; Polycystic kidney disease 1; Polycystic kidney disease 1, severe; POLYCYSTIC KIDNEY DISEASE 1 WITH OR WITHOUT POLYCYSTIC LIVER DISEASE. Identifiers: MedGen C3149841, MONDO:0008263, OMIM 173900.
PKD1-related disorder. Also called: PKD1-related condition.

Allele frequency attached by ClinVar (database versions not stated): TOPMed 0.00001.
gnomAD v4.1: 2 of 1,230,704 alleles (0.00016%); no homozygotes.

Submissions (3):

PreventionGenetics, part of Exact Sciences
Classification: Uncertain significance for PKD1-related condition. Last evaluated: 2024-12-09. Review status: criteria provided, single submitter. Criteria: ACMG Guidelines, 2015. Collection method: clinical testing. Allele origin: germline.
Comment: The PKD1 c.285G>T variant is predicted to result in the amino acid substitution p.Glu95Asp. To our knowledge, this variant has not been reported in the literature or in a large population database (gnomAD), indicating this variant is rare. At this time, the clinical significance of this variant is uncertain due to the absence of conclusive functional and genetic evidence.

Fulgent Genetics
Classification: Uncertain significance for Polycystic kidney disease, adult type. Last evaluated: 2023-12-21. Review status: criteria provided, single submitter. Criteria: ACMG Guidelines, 2015. Collection method: clinical testing. Allele origin: germline.

Blueprint Genetics
Classification: Uncertain significance. Last evaluated: 2018-08-21. Review status: criteria provided, single submitter. Criteria: ACMG Guidelines, 2015. Collection method: clinical testing. Allele origin: germline.